The following is an entry in ClinVar:

ClinVar aggregate classification (germline): Uncertain significance (1 of 4 stars; one submission).

Conditions:
Hereditary cancer-predisposing syndrome. Also called: Neoplastic Syndromes, Hereditary; Tumor predisposition; Hereditary Cancer Syndrome; Hereditary neoplastic syndrome. Identifiers: Orphanet 140162, MedGen C0027672, MeSH D009386, MONDO:0015356.

Submission:

Ambry Genetics
Classification: Uncertain significance for Hereditary cancer-predisposing syndrome. Last evaluated: 2019-12-04. Review status: criteria provided, single submitter. Criteria: Ambry Variant Classification Scheme 2023. Collection method: clinical testing. Allele origin: germline.
Comment: The p.T686N variant (also known as c.2057C>A), located in coding exon 13 of the BRIP1 gene, results from a C to A substitution at nucleotide position 2057. The threonine at codon 686 is replaced by asparagine, an amino acid with similar properties. This amino acid position is not well conserved in available vertebrate species. In addition, this alteration is predicted to be tolerated by in silico analysis. Since supporting evidence is limited at this time, the clinical significance of this alteration remains unclear.

NM_032043.3(BRIP1):c.2057C>A (p.Thr686Asn)

Gene: BRIP1 (BRCA1 interacting DNA helicase 1; minus strand). Cytogenetic location: 17q23.2.
Variant type: single nucleotide variant.
Coding change: c.2057C>A on transcript NM_032043.3 (MANE Select); coding-DNA position 2057, C replaced by A.
Protein change: p.Thr686Asn; replaces threonine 686 with asparagine.
Molecular consequence: missense variant.
Genome position (GRCh38, 1-based): chr17:61,776,441, G>T on the plus strand (C>A on the coding strand, the complement: BRIP1 is on the minus strand). VCF-style: chr17-61776441-G-T. GRCh37 (hg19) VCF-style: chr17-59853802-G-T.
Other names: short protein forms T686N.
Identifiers: ClinVar variation 820616 (VCV000820616.4), dbSNP rs1603328535, ClinGen allele CA400478136.